The following is an entry in ClinVar:

ClinVar aggregate classification (germline): Uncertain significance (1 of 4 stars; one submission).

Allele frequency attached by ClinVar (database versions not stated): gnomAD 0.00001.
gnomAD v4.1: 1 of 1,612,900 alleles (0.000062%); highest among the groups gnomAD compares: African/African-American, 0.0013%; no homozygotes.

Submission:

Labcorp Genetics (formerly Invitae), Labcorp
Classification: Uncertain significance. Last evaluated: 2023-08-16. Review status: criteria provided, single submitter. Criteria: Invitae Variant Classification Sherloc (09022015). Collection method: clinical testing. Allele origin: germline.
Comment: This variant is not present in population databases (gnomAD no frequency). This sequence change replaces leucine, which is neutral and non-polar, with phenylalanine, which is neutral and non-polar, at codon 79 of the SLCO5A1 protein (p.Leu79Phe). This variant has not been reported in the literature in individuals affected with SLCO5A1-related conditions. In summary, the available evidence is currently insufficient to determine the role of this variant in disease. Therefore, it has been classified as a Variant of Uncertain Significance. An algorithm developed to predict the effect of missense changes on protein structure and function (PolyPhen-2) suggests that this variant is likely to be tolerated.

NM_030958.3(SLCO5A1):c.237G>C (p.Leu79Phe)

Gene: SLCO5A1 (solute carrier organic anion transporter family member 5A1; minus strand). Cytogenetic location: 8q13.3.
Variant type: single nucleotide variant.
Coding change: c.237G>C on transcript NM_030958.3 (MANE Select); coding-DNA position 237, G replaced by C.
Protein change: p.Leu79Phe; replaces leucine 79 with phenylalanine.
Molecular consequence: missense variant.
Genome position (GRCh38, 1-based): chr8:69,832,437, C>G on the plus strand (G>C on the coding strand, the complement: SLCO5A1 is on the minus strand). VCF-style: chr8-69832437-C-G. GRCh37 (hg19) VCF-style: chr8-70744672-C-G.
Other names: c.237G>C, p.Leu79Phe (NM_001146008.2, NM_001146009.1); short protein forms L79F.
Identifiers: ClinVar variation 3000036 (VCV003000036.3), dbSNP rs1310361586, ClinGen allele CA371268078.